The following is an entry in ClinVar:

ClinVar aggregate classification (germline): Uncertain significance. Review status: criteria provided, multiple submitters, no conflicts (2 of 4 stars). 2 submissions from 2 submitters: Uncertain significance (2). Last evaluated 2025-05-21.

Conditions:
Cardiovascular phenotype. Identifiers: MedGen CN230736.
Hereditary cancer-predisposing syndrome. Also called: Neoplastic Syndromes, Hereditary; Tumor predisposition; Hereditary neoplastic syndrome; Hereditary Cancer Syndrome. Identifiers: Orphanet 140162, MedGen C0027672, MeSH D009386, MONDO:0015356.
Neurofibromatosis, type 1 (NF1). Also called: Peripheral type neurofibromatosis; VON RECKLINGHAUSEN DISEASE; NEUROFIBROMATOSIS, TYPE I, SOMATIC; Neurofibromatosis, type I. Identifiers: Orphanet 636, MedGen C0027831, MONDO:0018975, OMIM 162200. Disease mechanism: loss of function.

Submissions (2):

Labcorp Genetics (formerly Invitae), Labcorp
Classification: Uncertain significance for Neurofibromatosis, type 1. Last evaluated: 2025-05-21. Review status: criteria provided, single submitter. Criteria: Invitae Variant Classification Sherloc (09022015). Collection method: clinical testing. Allele origin: germline.
Comment: This sequence change replaces serine, which is neutral and polar, with arginine, which is basic and polar, at codon 2494 of the NF1 protein (p.Ser2494Arg). This variant is not present in population databases (gnomAD no frequency). This variant has not been reported in the literature in individuals affected with NF1-related conditions. ClinVar contains an entry for this variant (Variation ID: 1759106). Invitae Evidence Modeling of protein sequence and biophysical properties (such as structural, functional, and spatial information, amino acid conservation, physicochemical variation, residue mobility, and thermodynamic stability) has been performed for this missense variant. However, the output from this modeling did not meet the statistical confidence thresholds required to predict the impact of this variant on NF1 protein function. In summary, the available evidence is currently insufficient to determine the role of this variant in disease. Therefore, it has been classified as a Variant of Uncertain Significance.

Ambry Genetics
Classification: Uncertain significance for Cardiovascular phenotype; Hereditary cancer-predisposing syndrome. Last evaluated: 2020-11-10. Review status: criteria provided, single submitter. Criteria: Ambry Variant Classification Scheme 2023. Collection method: clinical testing. Allele origin: germline.
Comment: The p.S2494R variant (also known as c.7480A>C), located in coding exon 50 of the NF1 gene, results from an A to C substitution at nucleotide position 7480. The serine at codon 2494 is replaced by arginine, an amino acid with dissimilar properties. This amino acid position is highly conserved in available vertebrate species. In addition, the in silico prediction for this alteration is inconclusive. Since supporting evidence is limited at this time, the clinical significance of this alteration remains unclear.

NM_001042492.3(NF1):c.7543A>C (p.Ser2515Arg)

Gene: NF1 (neurofibromin 1; plus strand). Cytogenetic location: 17q11.2.
Variant type: single nucleotide variant.
Coding change: c.7543A>C on transcript NM_001042492.3 (MANE Select); coding-DNA position 7543, A replaced by C.
Protein change: p.Ser2515Arg; replaces serine 2515 with arginine.
Molecular consequence: missense variant.
Genome position (GRCh38, 1-based): chr17:31,352,342, A>C. VCF-style: chr17-31352342-A-C. GRCh37 (hg19) VCF-style: chr17-29679360-A-C.
Other names: c.7480A>C, p.Ser2494Arg (NM_000267.4); short protein forms S2494R, S2515R.
Identifiers: ClinVar variation 1759106 (VCV001759106.5), dbSNP rs2070170553, ClinGen allele CA399017637.
Genomic context (GRCh38, chr17:31,352,342, plus strand): 5'-TCCTCTCCCAAAGGTTCTGAAGGATACCTTGCAGCCACCTATCCAACTGTCGGCCAGACC[A>C]GTCCCCGAGCCAGGAAATCCATGAGCCTGGACATGGGGCAACCTTCTCAGGCCAACACTA-3'
Protein context (NP_001035957.1, residues 2505-2525): AATYPTVGQT[Ser2515Arg]PRARKSMSLD